The following is an entry in ClinVar:

ClinVar aggregate classification (germline): Uncertain significance (1 of 4 stars; one submission).

Conditions:
Ataxia-telangiectasia syndrome (AT). Also called: Ataxia telangiectasia (A-T); ATAXIA-TELANGIECTASIA, COMPLEMENTATION GROUP A; ATAXIA-TELANGIECTASIA, FRESNO VARIANT; Ataxia-telangiectasia; Ataxia-telangiectasia, complementation group E; LOUIS-BAR SYNDROME. Identifiers: Orphanet 100, MedGen C0004135, MONDO:0008840, OMIM 208900.

Submission:

Labcorp Genetics (formerly Invitae), Labcorp
Classification: Uncertain significance for Ataxia-telangiectasia syndrome. Last evaluated: 2020-03-23. Review status: criteria provided, single submitter. Criteria: Invitae Variant Classification Sherloc (09022015). Collection method: clinical testing. Allele origin: germline.
Comment: This variant is not present in population databases (ExAC no frequency). This sequence change falls in intron 60 of the ATM gene. It does not directly change the encoded amino acid sequence of the ATM protein, but it affects a nucleotide within the consensus splice site of the intron. This variant has not been reported in the literature in individuals with ATM-related conditions. In summary, the available evidence is currently insufficient to determine the role of this variant in disease. Therefore, it has been classified as a Variant of Uncertain Significance. Nucleotide substitutions within the consensus splice site are a relatively common cause of aberrant splicing (PMID: 17576681, 9536098). Algorithms developed to predict the effect of sequence changes on RNA splicing suggest that this variant is not likely to affect RNA splicing, but this prediction has not been confirmed by published transcriptional studies.

Literature cited by the submitters: PubMed 17576681; PubMed 9536098.

NM_000051.4(ATM):c.8786+4A>T

Genes: ATM (ATM serine/threonine kinase; plus strand), C11orf65 (chromosome 11 open reading frame 65; minus strand). Cytogenetic location: 11q22.3.
Variant type: single nucleotide variant.
Coding change: c.8786+4A>T on transcript NM_000051.4 (MANE Select); 4 bases into the intron after coding-DNA position 8786, A replaced by T.
Molecular consequence: intron variant.
Genome position (GRCh38, 1-based): chr11:108,353,884, A>T. VCF-style: chr11-108353884-A-T. GRCh37 (hg19) VCF-style: chr11-108224611-A-T.
Other names: c.8786+4A>T (NM_001351834.2); c.640+32036T>A (NM_001330368.2); c.695-18592T>A (NM_001351110.2).
Identifiers: ClinVar variation 1061740 (VCV001061740.7), dbSNP rs2137297919, ClinGen allele CA2499220737.